The following is an entry in ClinVar:

ClinVar aggregate classification (germline): Uncertain significance (1 of 4 stars; one submission).

Allele frequency attached by ClinVar (database versions not stated): ExAC 0.00001; gnomAD 0.00001; gnomAD exomes 0.00001.
gnomAD v4.1: 4 of 1,211,149 alleles (0.00033%); highest among the groups gnomAD compares: Admixed American, 0.0065%; no homozygotes.

Submission:

Labcorp Genetics (formerly Invitae), Labcorp
Classification: Uncertain significance. Last evaluated: 2025-04-07. Review status: criteria provided, single submitter. Criteria: Invitae Variant Classification Sherloc (09022015). Collection method: clinical testing. Allele origin: germline.
Comment: This sequence change replaces valine, which is neutral and non-polar, with phenylalanine, which is neutral and non-polar, at codon 102 of the CLCN4 protein (p.Val102Phe). This variant is present in population databases (rs760253224, gnomAD 0.008%), including at least one homozygous and/or hemizygous individual. This variant has not been reported in the literature in individuals affected with CLCN4-related conditions. ClinVar contains an entry for this variant (Variation ID: 953692). Invitae Evidence Modeling of protein sequence and biophysical properties (such as structural, functional, and spatial information, amino acid conservation, physicochemical variation, residue mobility, and thermodynamic stability) indicates that this missense variant is not expected to disrupt CLCN4 protein function with a negative predictive value of 80%. In summary, the available evidence is currently insufficient to determine the role of this variant in disease. Therefore, it has been classified as a Variant of Uncertain Significance.

NM_001830.4(CLCN4):c.304G>T (p.Val102Phe)

Gene: CLCN4 (chloride voltage-gated channel 4; plus strand). Cytogenetic location: Xp22.2.
Variant type: single nucleotide variant.
Coding change: c.304G>T on transcript NM_001830.4 (MANE Select); coding-DNA position 304, G replaced by T.
Protein change: p.Val102Phe; replaces valine 102 with phenylalanine.
Molecular consequence: missense variant.
Genome position (GRCh38, 1-based): chrX:10,194,970, G>T. VCF-style: chrX-10194970-G-T. GRCh37 (hg19) VCF-style: chrX-10163010-G-T.
Other names: c.22G>T, p.Val8Phe (NM_001256944.2); short protein forms V102F, V8F.
Identifiers: ClinVar variation 953692 (VCV000953692.9), dbSNP rs760253224, ClinGen allele CA10347056.
Genomic context (GRCh38, chrX:10,194,970, plus strand): 5'-GGCACCTTGGCTGGGGTCATCGATCTCGCCGTGGACTGGATGACGGACCTGAAGGAGGGG[G>T]TCTGCCTGTCTGCCTTCTGGTATAGCCATGAGCAGTGTTGCTGGACTTCTAACGAGACCA-3'
Protein context (NP_001821.2, residues 92-112): VDWMTDLKEG[Val102Phe]CLSAFWYSHE